The following is an entry in ClinVar:

NM_015166.4(MLC1):c.275C>T (p.Pro92Leu)

Gene: MLC1 (modulator of VRAC current 1; minus strand). Cytogenetic location: 22q13.33.
Variant type: single nucleotide variant.
Coding change: c.275C>T on transcript NM_015166.4 (MANE Select); coding-DNA position 275, C replaced by T.
Protein change: p.Pro92Leu; replaces proline 92 with leucine.
Molecular consequence: missense variant. On other transcripts: non-coding transcript variant (3), intron variant (2).
Genome position (GRCh38, 1-based): chr22:50,080,390, G>A on the plus strand (C>T on the coding strand, the complement: MLC1 is on the minus strand). VCF-style: chr22-50080390-G-A. GRCh37 (hg19) VCF-style: chr22-50518819-G-A.
Other names: c.275C>T, p.Pro92Leu (NM_001376472.1, NM_001376473.1, NM_001376474.1 and 7 more transcripts); c.185C>T, p.Pro62Leu (NM_001376480.1); c.38C>T, p.Pro13Leu (NM_001376484.1); c.267+2694C>T (NM_001376482.1, NM_001376483.1); short protein forms P92L, P62L, P13L.
Identifiers: ClinVar variation 1524959 (VCV001524959.8), dbSNP rs2146908500, ClinGen allele CA412111359.

ClinVar aggregate classification (germline): Likely pathogenic (1 of 4 stars; one submission).

Submission:

Labcorp Genetics (formerly Invitae), Labcorp
Classification: Likely pathogenic. Last evaluated: 2021-06-04. Review status: criteria provided, single submitter. Criteria: Invitae Variant Classification Sherloc (09022015). Collection method: clinical testing. Allele origin: germline.
Comment: This sequence change replaces proline with leucine at codon 92 of the MLC1 protein (p.Pro92Leu). The proline residue is highly conserved and there is a moderate physicochemical difference between proline and leucine. This variant is not present in population databases (ExAC no frequency). This variant has not been reported in the literature in individuals with MLC1-related conditions. Advanced modeling of protein sequence and biophysical properties (such as structural, functional, and spatial information, amino acid conservation, physicochemical variation, residue mobility, and thermodynamic stability) performed at Invitae indicates that this missense variant is expected to disrupt MLC1 protein function. This variant disrupts the p.Pro92 amino acid residue in MLC1. Other variant(s) that disrupt this residue have been determined to be pathogenic (PMID: 11935341, 16470554, 21145992). This suggests that this residue is clinically significant, and that variants that disrupt this residue are likely to be disease-causing. In summary, the currently available evidence indicates that the variant is pathogenic, but additional data are needed to prove that conclusively. Therefore, this variant has been classified as Likely Pathogenic.

Literature cited by the submitters: PubMed 11935341; PubMed 16470554; PubMed 21145992.